The following is an entry in ClinVar:

NM_000081.4(LYST):c.1406T>A (p.Leu469Ter)

Gene: LYST (lysosomal trafficking regulator; minus strand). Cytogenetic location: 1q42.3.
Variant type: single nucleotide variant.
Coding change: c.1406T>A on transcript NM_000081.4 (MANE Select); coding-DNA position 1406, T replaced by A.
Protein change: p.Leu469Ter; replaces leucine 469 with a stop codon.
Molecular consequence: nonsense.
Genome position (GRCh38, 1-based): chr1:235,809,412, A>T on the plus strand (T>A on the coding strand, the complement: LYST is on the minus strand). VCF-style: chr1-235809412-A-T. GRCh37 (hg19) VCF-style: chr1-235972712-A-T.
Other names: c.1406T>A, p.Leu469Ter (NM_001301365.1); short protein forms L469*.
Identifiers: ClinVar variation 1075027 (VCV001075027.8), dbSNP rs2527115755, ClinGen allele CA344962478.
Genomic context (GRCh38, chr1:235,809,412, plus strand): 5'-TCTGATTTCACTTTTTTGACAGTGCTCATTATTTTCATCACACTATTTATTAGGGCTTTC[A>T]AATGCTCTGAGGCCTCGGGAGGAACTCCATCTCTTAAAACCAGCCATTCCATTTGAAGAA-3'

ClinVar aggregate classification (germline): Pathogenic (1 of 4 stars; one submission).

Conditions:
Chédiak-Higashi syndrome (CHS). Also called: Chediak-Higashi Syndrome. Identifiers: Orphanet 167, MedGen C0007965, MONDO:0008963, OMIM 214500.

Submission:

Labcorp Genetics (formerly Invitae), Labcorp
Classification: Pathogenic for Chédiak-Higashi syndrome. Last evaluated: 2020-08-26. Review status: criteria provided, single submitter. Criteria: Invitae Variant Classification Sherloc (09022015). Collection method: clinical testing. Allele origin: germline.
Comment: For these reasons, this variant has been classified as Pathogenic. Loss-of-function variants in LYST are known to be pathogenic (PMID: 9215679, 11857544). This variant has been observed in individual(s) with clinical features of Chediak-Higashi syndrome (Invitae). This variant is not present in population databases (ExAC no frequency). This sequence change creates a premature translational stop signal (p.Leu469*) in the LYST gene. It is expected to result in an absent or disrupted protein product.

Literature cited by the submitters: PubMed 9215679; PubMed 11857544.